The following is an entry in ClinVar:

ClinVar aggregate classification (germline): Likely pathogenic (3 of 4 stars; one submission).

Conditions:
Open-angle glaucoma. Identifiers: MedGen C0017612, MONDO:0005338, HP:0012108.

Allele frequency attached by ClinVar (database versions not stated): gnomAD 0.00001; TOPMed below 0.00001.
gnomAD v4.1: 1 of 1,613,978 alleles (0.000062%); highest among the groups gnomAD compares: Admixed American, 0.0017%; no homozygotes.

Submission:

ClinGen Glaucoma Variant Curation Expert Panel
Classification: Likely pathogenic for Open-angle glaucoma. Last evaluated: 2025-11-12. Review status: reviewed by expert panel. Criteria: ClinGen Glaucoma ACMG Specifications V2.0.0 Approved. Collection method: curation. Allele origin: germline. Inheritance: Autosomal dominant inheritance.
Comment: The c.1150G>A variant in MYOC is a missense variant predicted to cause substitution of Aspartic acid by Asparagine at amino acid 384 (p.Asp384Asn). The highest minor allele frequency of this variant was in the Admixed American genetic ancestry group of gnomAD (v4.1.0) = 0.00001667 (1 allele out of 59,992), which met the ≤ 0.0001 threshold set for PM2_Supporting in a genetic ancestry group of at least 10,000 alleles. The REVEL score = 0.914, which was within the 0.773-0.931 range for PP3_Moderate, predicting a damaging effect on MYOC function. The assay in this study (PMID: 19234343), measuring solubility of the Asp384Asn protein, did not meet the OddsPath threshold for PS3_Supporting (> 2.1). 20 segregations in 3 families, with JOAG or POAG, have been reported (PMIDs: 23826516, 19234343, 34273563), which fulfilled PP1_Strong (≥ 7 meioses in > 1 family). 5 probands with JOAG or POAG have been reported carrying this variant (PMIDs: 23826516, 11853639, 19234343, 32476818, 34273563), which met PS4_Supporting (≥ 2 probands). In summary, this variant met the criteria to receive a score of 8 and to be classified as likely pathogenic (likely pathogenic classification range 6 to 9, adapted from PMID: 32720330) for juvenile open angle glaucoma based on the ACMG/AMP criteria met, as specified by the ClinGen Glaucoma VCEP (v2.0.0, 5 Dec 2024): PP1_Strong, PP3_Moderate, PS4_Supporting, PM2_Supporting.

NM_000261.2(MYOC):c.1150G>A (p.Asp384Asn)

Gene: MYOC (myocilin; minus strand). Cytogenetic location: 1q24.3.
Variant type: single nucleotide variant.
Coding change: c.1150G>A on transcript NM_000261.2 (MANE Select); coding-DNA position 1150, G replaced by A.
Protein change: p.Asp384Asn; replaces aspartic acid 384 with asparagine.
Molecular consequence: missense variant.
Genome position (GRCh38, 1-based): chr1:171,636,290, C>T on the plus strand (G>A on the coding strand, the complement: MYOC is on the minus strand). VCF-style: chr1-171636290-C-T. GRCh37 (hg19) VCF-style: chr1-171605430-C-T.
Other names: NM_000261.2:c.1150G>A; short protein forms D384N.
Identifiers: ClinVar variation 1342205 (VCV001342205.6), dbSNP rs1652918497, ClinGen allele CA343724529.